The following is an entry in ClinVar:

NM_006506.5(RASA2):c.1943C>A (p.Ala648Glu)

Gene: RASA2 (RAS p21 protein activator 2; plus strand). Cytogenetic location: 3q23.
Variant type: single nucleotide variant.
Coding change: c.1943C>A on transcript NM_006506.5 (MANE Select); coding-DNA position 1943, C replaced by A.
Protein change: p.Ala648Glu; replaces alanine 648 with glutamic acid.
Molecular consequence: missense variant.
Genome position (GRCh38, 1-based): chr3:141,607,687, C>A. VCF-style: chr3-141607687-C-A. GRCh37 (hg19) VCF-style: chr3-141326529-C-A.
Other names: c.1946C>A, p.Ala649Glu (NM_001303245.3); c.1955C>A, p.Ala652Glu (NM_001303246.3); short protein forms A652E, A648E, A649E.
Identifiers: ClinVar variation 1783087 (VCV001783087.2), dbSNP rs1421012394, ClinGen allele CA354773362.

ClinVar aggregate classification (germline): Uncertain significance (1 of 4 stars; one submission).

gnomAD v4.1: 6 of 1,566,738 alleles (0.00038%); highest among the groups gnomAD compares: South Asian, 0.0073%; no homozygotes.

Submission:

Ambry Genetics
Classification: Uncertain significance. Last evaluated: 2021-08-19. Review status: criteria provided, single submitter. Criteria: Ambry Variant Classification Scheme 2023. Collection method: clinical testing. Allele origin: germline.
Comment: The p.A648E variant (also known as c.1943C>A), located in coding exon 20 of the RASA2 gene, results from a C to A substitution at nucleotide position 1943. The alanine at codon 648 is replaced by glutamic acid, an amino acid with dissimilar properties. This amino acid position is conserved. In addition, the in silico prediction for this alteration is inconclusive. Since supporting evidence is limited at this time, the clinical significance of this alteration remains unclear.